The following is an entry in ClinVar:

NM_001142800.2(EYS):c.2088C>A (p.Cys696Ter)

Gene: EYS (EGF-like photoreceptor maintenance factor; minus strand). Cytogenetic location: 6q12.
Variant type: single nucleotide variant.
Coding change: c.2088C>A on transcript NM_001142800.2 (MANE Select); coding-DNA position 2088, C replaced by A.
Protein change: p.Cys696Ter; replaces cysteine 696 with a stop codon.
Molecular consequence: nonsense.
Genome position (GRCh38, 1-based): chr6:65,057,663, G>T on the plus strand (C>A on the coding strand, the complement: EYS is on the minus strand). VCF-style: chr6-65057663-G-T. GRCh37 (hg19) VCF-style: chr6-65767556-G-T.
Other names: c.2088C>A, p.Cys696Ter (NM_001292009.2); short protein forms C696*.
Identifiers: ClinVar variation 4293999 (VCV004293999.1).

ClinVar aggregate classification (germline): Likely pathogenic (1 of 4 stars; one submission).

Conditions:
Retinitis pigmentosa 25 (RP25). Identifiers: Orphanet 791, MedGen C1864446, MONDO:0011272, OMIM 602772.

gnomAD v4.1: 1 of 1,551,156 alleles (0.000064%); no homozygotes.

Submission:

3billion
Classification: Likely pathogenic for Retinitis pigmentosa 25. Last evaluated: 2025-02-22. Review status: criteria provided, single submitter. Criteria: ACMG Guidelines, 2015. Collection method: clinical testing. Allele origin: germline. Affected: yes.
Comment: The variant is observed at an extremely low frequency in the gnomAD v4.1.0 dataset (total allele frequency: <0.001%). Predicted Consequence/Location: Stop-gained (nonsense): predicted to result in a loss or disruption of normal protein function through nonsense-mediated decay (NMD) or protein truncation. Multiple pathogenic variants are reported downstream of the variant. Therefore, this variant is classified as Likely pathogenic according to the recommendation of ACMG/AMP guideline.